The following is an entry in ClinVar:

NM_001110556.2(FLNA):c.6023-10C>G

Gene: FLNA (filamin A; minus strand). Cytogenetic location: Xq28.
Variant type: single nucleotide variant.
Coding change: c.6023-10C>G on transcript NM_001110556.2 (MANE Select); 10 bases into the intron before coding-DNA position 6023, C replaced by G.
Molecular consequence: intron variant.
Genome position (GRCh38, 1-based): chrX:154,353,214, G>C on the plus strand (C>G on the coding strand, the complement: FLNA is on the minus strand). VCF-style: chrX-154353214-G-C. GRCh37 (hg19) VCF-style: chrX-153581582-G-C.
Other names: p.?; c.5999-10C>G (NM_001456.4).
Identifiers: ClinVar variation 211021 (VCV000211021.31), dbSNP rs72616474, ClinGen allele CA319699.

ClinVar aggregate classification (germline): Benign/Likely benign. Review status: criteria provided, multiple submitters, no conflicts (2 of 4 stars). 12 submissions from 12 submitters: Benign (7); Likely benign (2). 3 of the submissions do not count toward it. Last evaluated 2026-02-02.

Conditions:
Oto-palato-digital syndrome, type II (OPD2). Also called: FACIOPALATOOSSEOUS SYNDROME; Otopalatodigital Syndrome, Type II; Otopalatodigital Syndrome Type 2 (FLNA-OPD2); OPD II SYNDROME. Identifiers: Orphanet 669, Orphanet 90652, MedGen C1844696, MONDO:0010571, OMIM 304120.
Heterotopia, periventricular, X-linked dominant (PVNH1). Also called: X-linked periventricular heterotopia; PERIVENTRICULAR NODULAR HETEROTOPIA 1; PERIVENTRICULAR NODULAR HETEROTOPIA 4; HETEROTOPIA, PERIVENTRICULAR, 1. Identifiers: Orphanet 2149, Orphanet 82004, MedGen C1848213, MONDO:0010233, OMIM 300049.
Frontometaphyseal dysplasia (FMD1). Identifiers: Orphanet 1826, MedGen C0265293, MONDO:0015942.
Melnick-Needles syndrome (MNS). Also called: Melnick-Needles Syndrome (FLNA-MNS); MELNICK-NEEDLES OSTEODYSPLASTY; OSTEODYSPLASTY OF MELNICK AND NEEDLES. Identifiers: Orphanet 2484, MedGen C0025237, MONDO:0010650, OMIM 309350.

Allele frequency attached by ClinVar (database versions not stated): gnomAD exomes 0.00112 and 0.00368; TOPMed 0.00125; gnomAD 0.00150 and 0.00127; ExAC 0.00400; 1000 Genomes Project 30x 0.00499; 1000 Genomes Project 0.00556.
gnomAD v4.1: 1,473 of 1,209,747 alleles (0.12%); highest among the groups gnomAD compares: East Asian, 1.9%; 4 homozygotes.

Submissions (14):

Labcorp Genetics (formerly Invitae), Labcorp
Classification: Benign for Oto-palato-digital syndrome, type II; Heterotopia, periventricular, X-linked dominant; Frontometaphyseal dysplasia; Melnick-Needles syndrome. Last evaluated: 2026-02-02. Review status: criteria provided, single submitter. Criteria: Invitae Variant Classification Sherloc (09022015). Collection method: clinical testing. Allele origin: germline.

ARUP Laboratories, Molecular Genetics and Genomics, ARUP Laboratories
Classification: Benign. Last evaluated: 2025-03-07. Review status: criteria provided, single submitter. Criteria: ARUP Molecular Germline Variant Investigation Process 2024. Collection method: clinical testing. Allele origin: germline.

Blueprint Genetics
Classification: Likely benign. Last evaluated: 2024-11-23. Review status: criteria provided, single submitter. Criteria: ACMG Guidelines, 2015. Collection method: clinical testing. Allele origin: germline.

Women's Health and Genetics/Laboratory Corporation of America, LabCorp
Classification: Benign. Last evaluated: 2024-03-13. Review status: criteria provided, single submitter. Criteria: LabCorp Variant Classification Summary - May 2015. Collection method: clinical testing. Allele origin: germline.
Comment: Variant summary: FLNA c.6023-10C>G alters a non-conserved nucleotide located at a position not widely known to affect splicing. Consensus agreement among computation tools predict no significant impact on normal splicing. However, these predictions have yet to be confirmed by functional studies. The variant allele was found at a frequency of 0.0037 in 181586 control chromosomes in the gnomAD database, including 4 homozygotes. The observed variant frequency is approximately 11771-fold of the estimated maximal expected allele frequency for a pathogenic variant in FLNA causing Periventricular Nodular Heterotopia phenotype (3.1e-07), strongly suggesting that the variant is benign. To our knowledge, no occurrence of c.6023-10C>G in individuals affected with Periventricular Nodular Heterotopia and no experimental evidence demonstrating its impact on protein function have been reported. ClinVar contains an entry for this variant (Variation ID: 211021). Based on the evidence outlined above, the variant was classified as benign.

Mayo Clinic Laboratories, Mayo Clinic
Classification: Benign. Last evaluated: 2021-07-08. Review status: criteria provided, single submitter. Criteria: ACMG Guidelines, 2015. Collection method: clinical testing. Allele origin: germline. Observed: 4 variant alleles.

Center for Pediatric Genomic Medicine, Children's Mercy Hospital and Clinics
Classification: Likely benign. Last evaluated: 2017-06-15. Review status: criteria provided, single submitter. Criteria: ACMG Guidelines, 2015. Collection method: clinical testing. Allele origin: germline.

Genetic Services Laboratory, University of Chicago
Classification: Benign. Last evaluated: 2017-02-23. Review status: criteria provided, single submitter. Criteria: ACMG Guidelines, 2015. Collection method: clinical testing. Allele origin: germline. Affected: no.

Eurofins Ntd Llc (ga)
Classification: Benign. Last evaluated: 2016-03-08. Review status: criteria provided, single submitter. Criteria: EGL Classification Definitions 2015. Collection method: clinical testing. Allele origin: germline. Observed: 1 variant allele, 1 hemizygote.

GeneDx
Classification: Benign. Last evaluated: 2014-07-24. Review status: criteria provided, single submitter. Criteria: GeneDx Variant Classification (06012015). Collection method: clinical testing. Allele origin: germline. Affected: yes.
Comment: This variant is considered likely benign or benign based on one or more of the following criteria: it is a conservative change, it occurs at a poorly conserved position in the protein, it is predicted to be benign by multiple in silico algorithms, and/or has population frequency not consistent with disease.

Clinical Genetics DNA and cytogenetics Diagnostics Lab, Erasmus MC, Erasmus Medical Center
Classification: Benign. Review status: no assertion criteria provided. Collection method: clinical testing. Allele origin: germline. Affected: yes. Study: VKGL Data-share Consensus. Not counted in ClinVar's aggregate classification.

Dr. Peter K. Rogan Lab, Western University
No classification provided (evidence only). Condition: Cervical cancer. Review status: no classification provided. Collection method: in vitro. Allele origin: not applicable. Functional consequence: retained intron. Not counted in ClinVar's aggregate classification.

Dr. Peter K. Rogan Lab, Western University
No classification provided (evidence only). Condition: Malignant tumor of esophagus. Review status: no classification provided. Collection method: in vitro. Allele origin: not applicable. Functional consequence: retained intron. Not counted in ClinVar's aggregate classification.

Genome Diagnostics Laboratory, Amsterdam University Medical Center
Classification: Benign. Review status: no assertion criteria provided. Collection method: clinical testing. Allele origin: germline. Affected: yes. Study: VKGL Data-share Consensus. Not counted in ClinVar's aggregate classification.

Genome Diagnostics Laboratory, University Medical Center Utrecht
Classification: Benign. Review status: no assertion criteria provided. Collection method: clinical testing. Allele origin: germline. Affected: yes. Study: VKGL Data-share Consensus. Not counted in ClinVar's aggregate classification.